The following is an entry in ClinVar:

ClinVar aggregate classification (germline): Uncertain significance (1 of 4 stars; one submission).

Conditions:
Early Myoclonic Encephalopathy. Identifiers: MedGen C0270855.

Submission:

Labcorp Genetics (formerly Invitae), Labcorp
Classification: Uncertain significance for Early Myoclonic Encephalopathy. Last evaluated: 2023-11-13. Review status: criteria provided, single submitter. Criteria: Invitae Variant Classification Sherloc (09022015). Collection method: clinical testing. Allele origin: germline.
Comment: This sequence change replaces arginine, which is basic and polar, with glycine, which is neutral and non-polar, at codon 170 of the KCND2 protein (p.Arg170Gly). This variant is not present in population databases (gnomAD no frequency). This variant has not been reported in the literature in individuals affected with KCND2-related conditions. ClinVar contains an entry for this variant (Variation ID: 1510638). Advanced modeling of protein sequence and biophysical properties (such as structural, functional, and spatial information, amino acid conservation, physicochemical variation, residue mobility, and thermodynamic stability) performed at Invitae indicates that this missense variant is not expected to disrupt KCND2 protein function with a negative predictive value of 80%. In summary, the available evidence is currently insufficient to determine the role of this variant in disease. Therefore, it has been classified as a Variant of Uncertain Significance.

NM_012281.3(KCND2):c.508A>G (p.Arg170Gly)

Gene: KCND2 (potassium voltage-gated channel subfamily D member 2; plus strand). Cytogenetic location: 7q31.31.
Variant type: single nucleotide variant.
Coding change: c.508A>G on transcript NM_012281.3 (MANE Select); coding-DNA position 508, A replaced by G.
Protein change: p.Arg170Gly; replaces arginine 170 with glycine.
Molecular consequence: missense variant.
Genome position (GRCh38, 1-based): chr7:120,275,140, A>G. VCF-style: chr7-120275140-A-G. GRCh37 (hg19) VCF-style: chr7-119915194-A-G.
Other names: short protein forms R170G.
Identifiers: ClinVar variation 1510638 (VCV001510638.6), dbSNP rs2116243177, ClinGen allele CA369131759.